The following is an entry in ClinVar:

ClinVar aggregate classification (germline): Uncertain significance (1 of 4 stars; one submission).

Conditions:
Cystic fibrosis (CF). Also called: MUCOVISCIDOSIS. Identifiers: Orphanet 586, MedGen C0010674, MONDO:0009061, OMIM 219700. Disease mechanism: loss of function.

Submission:

Ambry Genetics
Classification: Uncertain significance for Cystic fibrosis. Last evaluated: 2022-06-09. Review status: criteria provided, single submitter. Criteria: Ambry Variant Classification Scheme 2023. Collection method: clinical testing. Allele origin: germline.
Comment: The p.L1346P variant (also known as c.4037T>C), located in coding exon 25 of the CFTR gene, results from a T to C substitution at nucleotide position 4037. The leucine at codon 1346 is replaced by proline, an amino acid with similar properties. This amino acid position is conserved. In addition, this alteration is predicted to be deleterious by in silico analysis. Since supporting evidence is limited at this time, the clinical significance of this alteration remains unclear.

NM_000492.4(CFTR):c.4037T>C (p.Leu1346Pro)

Gene: CFTR (CF transmembrane conductance regulator; plus strand). Cytogenetic location: 7q31.2.
Variant type: single nucleotide variant.
Coding change: c.4037T>C on transcript NM_000492.4 (MANE Select); coding-DNA position 4037, T replaced by C.
Protein change: p.Leu1346Pro; replaces leucine 1346 with proline.
Molecular consequence: missense variant.
Genome position (GRCh38, 1-based): chr7:117,664,761, T>C. VCF-style: chr7-117664761-T-C. GRCh37 (hg19) VCF-style: chr7-117304815-T-C.
Other names: short protein forms L1346P.
Identifiers: ClinVar variation 1737252 (VCV001737252.2), dbSNP rs1313341594, ClinGen allele CA368982440.